The following is an entry in ClinVar:

ClinVar aggregate classification (germline): Likely benign. Review status: criteria provided, multiple submitters, no conflicts (2 of 4 stars). 4 submissions from 4 submitters: Likely benign (4). Last evaluated 2025-12-05.

Conditions:
Hereditary nonpolyposis colorectal neoplasms. Identifiers: MedGen C0009405, MeSH D003123.
PMS2-related disorder. Also called: PMS2-related condition.
Hereditary cancer-predisposing syndrome. Also called: Neoplastic Syndromes, Hereditary; Tumor predisposition; Hereditary Cancer Syndrome; Hereditary neoplastic syndrome. Identifiers: Orphanet 140162, MedGen C0027672, MeSH D009386, MONDO:0015356.

Allele frequency attached by ClinVar (database versions not stated): ExAC 0.00005.
gnomAD v4.1: 18 of 1,612,432 alleles (0.0011%); highest among the groups gnomAD compares: Admixed American, 0.013%; no homozygotes.

Submissions (4):

Labcorp Genetics (formerly Invitae), Labcorp
Classification: Likely benign for Hereditary nonpolyposis colorectal neoplasms. Last evaluated: 2025-12-05. Review status: criteria provided, single submitter. Criteria: Invitae Variant Classification Sherloc (09022015). Collection method: clinical testing. Allele origin: germline.

PreventionGenetics, part of Exact Sciences
Classification: Likely benign for PMS2-related condition. Last evaluated: 2025-02-14. Review status: criteria provided, single submitter. Criteria: ACMG Guidelines, 2015. Collection method: clinical testing. Allele origin: germline.
Comment: This variant is classified as likely benign based on ACMG/AMP sequence variant interpretation guidelines (Richards et al. 2015 PMID: 25741868, with internal and published modifications).

Color Diagnostics, LLC DBA Color Health
Classification: Likely benign for Hereditary cancer-predisposing syndrome. Last evaluated: 2016-06-20. Review status: criteria provided, single submitter. Criteria: ACMG Guidelines, 2015. Collection method: clinical testing. Allele origin: germline.

GeneDx
Classification: Likely benign. Last evaluated: 2015-12-14. Review status: criteria provided, single submitter. Criteria: GeneDx Variant Classification (06012015). Collection method: clinical testing. Allele origin: germline. Affected: yes.
Comment: This variant is considered likely benign or benign based on one or more of the following criteria: it is a conservative change, it occurs at a poorly conserved position in the protein, it is predicted to be benign by multiple in silico algorithms, and/or has population frequency not consistent with disease.

NM_000535.7(PMS2):c.23+19C>T

Gene: PMS2 (PMS1 homolog 2, mismatch repair system component; minus strand). Cytogenetic location: 7p22.1.
Variant type: single nucleotide variant.
Coding change: c.23+19C>T on transcript NM_000535.7 (MANE Select); 19 bases into the intron after coding-DNA position 23, C replaced by T.
Molecular consequence: intron variant. On other transcripts: 5 prime UTR variant (2).
Genome position (GRCh38, 1-based): chr7:6,008,978, G>A on the plus strand (C>T on the coding strand, the complement: PMS2 is on the minus strand). VCF-style: chr7-6008978-G-A. GRCh37 (hg19) VCF-style: chr7-6048609-G-A.
Other names: c.-554C>T (NM_001322005.2); c.-549C>T (NM_001322009.2); c.-53+19C>T (NM_001322008.2); c.-243+19C>T (NM_001322010.2, NM_001322004.2); c.-378+19C>T (NM_001322013.2, NM_001322003.2); c.-857+19C>T (NM_001322012.2); c.-457+19C>T (NM_001322015.2); c.-193+19C>T (NM_001322007.2); and 2 more.
Identifiers: ClinVar variation 380282 (VCV000380282.12), dbSNP rs756178012, ClinGen allele CA047551.